The following is an entry in ClinVar:

ClinVar aggregate classification (germline): Likely benign (1 of 4 stars; one submission).

Conditions:
CD36-related disorder. Also called: CD36-related condition; CD36-related disorders.

gnomAD v4.1: 272 of 1,612,244 alleles (0.017%); highest among the groups gnomAD compares: South Asian, 0.27%; 8 homozygotes.

Submission:

PreventionGenetics, part of Exact Sciences
Classification: Likely benign for CD36-related condition. Last evaluated: 2025-09-04. Review status: criteria provided, single submitter. Criteria: ACMG Guidelines, 2015. Collection method: clinical testing. Allele origin: germline.
Comment: This variant is classified as likely benign based on ACMG/AMP sequence variant interpretation guidelines (Richards et al. 2015 PMID: 25741868, with internal and published modifications).

NM_001001548.3(CD36):c.1355G>C (p.Gly452Ala)

Gene: CD36 (CD36 molecule (CD36 blood group); plus strand). Cytogenetic location: 7q21.11.
Variant type: single nucleotide variant.
Coding change: c.1355G>C on transcript NM_001001548.3 (MANE Select); coding-DNA position 1355, G replaced by C.
Protein change: p.Gly452Ala; replaces glycine 452 with alanine.
Molecular consequence: missense variant. On other transcripts: non-coding transcript variant (1).
Genome position (GRCh38, 1-based): chr7:80,674,083, G>C. VCF-style: chr7-80674083-G-C. GRCh37 (hg19) VCF-style: chr7-80303399-G-C.
Other names: c.1355G>C, p.Gly452Ala (NM_000072.3, NM_001001547.3, NM_001127443.2 and 5 more transcripts); c.1238G>C, p.Gly413Ala (NM_001289908.1); c.1175G>C, p.Gly392Ala (NM_001289909.1); c.1127G>C, p.Gly376Ala (NM_001289911.2); c.1253G>C, p.Gly418Ala (NM_001371079.1); c.890G>C, p.Gly297Ala (NM_001371080.1, NM_001371081.1); short protein forms G418A, G452A, G376A, G392A, G413A, G297A.
Identifiers: ClinVar variation 4980223 (VCV004980223.1).
Genomic context (GRCh38, chr7:80,674,083, plus strand): 5'-GTCAAGTAACTGGAAAAATAAACCTCCTTGGCCTGATAGAAATGATCTTACTCAGTGTTG[G>C]TGTGGTGATGTTTGTTGCTTTTATGATTTCATATTGTGCATGCAGATCGAAAACAATAAA-3'
Protein context (NP_001001548.1, residues 442-462): GLIEMILLSV[Gly452Ala]VVMFVAFMIS